The following is an entry in ClinVar:

ClinVar aggregate classification (germline): Uncertain significance (1 of 4 stars; one submission).

Conditions:
Xanthinuria type II. Also called: Xanthine dehydrogenase and aldehyde oxidase combined deficiency of; XDH and AOX dual deficiency. Identifiers: Orphanet 3467, Orphanet 93602, MedGen C1863688, MONDO:0011346, OMIM 603592.

Submission:

Labcorp Genetics (formerly Invitae), Labcorp
Classification: Uncertain significance for Xanthinuria type II. Last evaluated: 2023-11-17. Review status: criteria provided, single submitter. Criteria: Invitae Variant Classification Sherloc (09022015). Collection method: clinical testing. Allele origin: germline.
Comment: This variant, c.851_862del, results in the deletion of 4 amino acid(s) of the XDH protein (p.Ile284_Leu287del), but otherwise preserves the integrity of the reading frame. This variant is not present in population databases (gnomAD no frequency). This variant has not been reported in the literature in individuals affected with XDH-related conditions. Experimental studies and prediction algorithms are not available or were not evaluated, and the functional significance of this variant is currently unknown. In summary, the available evidence is currently insufficient to determine the role of this variant in disease. Therefore, it has been classified as a Variant of Uncertain Significance.

NM_000379.4(XDH):c.851_862del (p.Ile284_Leu287del)

Gene: XDH (xanthine dehydrogenase; minus strand). Cytogenetic location: 2p23.1.
Variant type: Deletion.
Coding change: c.851_862del on transcript NM_000379.4 (MANE Select); coding-DNA positions 851 to 862, 12 bases deleted (TCCCTGAGCTGA).
Protein change: p.Ile284_Leu287del.
Molecular consequence: inframe deletion.
Genome position (GRCh38, 1-based): chr2:31,383,779-31,383,790, TCAGCTCAGGGA deleted on the plus strand (TCCCTGAGCTGA on the coding strand, the reverse complement: XDH is on the minus strand); deleting any 12 consecutive bases within chr2:31,383,779-31,383,792 gives the same sequence; the c. name uses the placement nearest the transcript's 3' end. VCF-style (leftmost placement, unchanged base first): chr2-31383778-TTCAGCTCAGGGA-T. GRCh37 (hg19) VCF-style: chr2-31606644-TTCAGCTCAGGGA-T.
Identifiers: ClinVar variation 2696779 (VCV002696779.3), dbSNP rs2465394586, ClinGen allele CA2697547971.
Genomic context (GRCh38, chr2:31,383,778, plus strand): 5'-CAGCCCCTCCATAAGCTTGGAGTGAACCTCCTCTTACCGTCGGGTCCATGTTCTACCGAA[TTCAGCTCAGGGA>T]TCCAGGCTGGGCAGACAATCATAGGAAACAGCATATTCTTGAACTTCATCTCAATGCCTA-3'